The following is an entry in ClinVar:

ClinVar aggregate classification (germline): Uncertain significance (1 of 4 stars; one submission).

Submission:

Labcorp Genetics (formerly Invitae), Labcorp
Classification: Uncertain significance. Last evaluated: 2023-02-07. Review status: criteria provided, single submitter. Criteria: Invitae Variant Classification Sherloc (09022015). Collection method: clinical testing. Allele origin: germline.
Comment: This sequence change creates a premature translational stop signal (p.Arg718*) in the EGF gene. It is expected to result in an absent or disrupted protein product. However, the current clinical and genetic evidence is not sufficient to establish whether loss-of-function variants in EGF cause disease. This variant is not present in population databases (gnomAD no frequency). This variant has not been reported in the literature in individuals affected with EGF-related conditions. In summary, the available evidence is currently insufficient to determine the role of this variant in disease. Therefore, it has been classified as a Variant of Uncertain Significance.

NM_001963.6(EGF):c.2152A>T (p.Arg718Ter)

Genes: EGF (epidermal growth factor; plus strand), LOC126807134 (BRD4-independent group 4 enhancer GRCh37_chr4:110900995-110902194; plus strand). Cytogenetic location: 4q25.
Variant type: single nucleotide variant.
Coding change: c.2152A>T on transcript NM_001963.6 (MANE Select); coding-DNA position 2152, A replaced by T.
Protein change: p.Arg718Ter; replaces arginine 718 with a stop codon.
Molecular consequence: nonsense.
Genome position (GRCh38, 1-based): chr4:109,980,070, A>T. VCF-style: chr4-109980070-A-T. GRCh37 (hg19) VCF-style: chr4-110901226-A-T.
Other names: c.2152A>T, p.Arg718Ter (NM_001178130.3); c.2026A>T, p.Arg676Ter (NM_001178131.3, NM_001357021.2); short protein forms R676*, R718*.
Identifiers: ClinVar variation 2834908 (VCV002834908.3), dbSNP rs2545843967, ClinGen allele CA357884699.